The following is an entry in ClinVar:

NM_000051.4(ATM):c.3868A>C (p.Ile1290Leu)

Gene: ATM (ATM serine/threonine kinase; plus strand). Cytogenetic location: 11q22.3.
Variant type: single nucleotide variant.
Coding change: c.3868A>C on transcript NM_000051.4 (MANE Select); coding-DNA position 3868, A replaced by C.
Protein change: p.Ile1290Leu; replaces isoleucine 1290 with leucine.
Molecular consequence: missense variant.
Genome position (GRCh38, 1-based): chr11:108,284,348, A>C. VCF-style: chr11-108284348-A-C. GRCh37 (hg19) VCF-style: chr11-108155075-A-C.
Other names: c.3868A>C, p.Ile1290Leu (NM_001351834.2); short protein forms I1290L.
Identifiers: ClinVar variation 1735653 (VCV001735653.6), dbSNP rs2082381917, ClinGen allele CA382525342.

ClinVar aggregate classification (germline): Uncertain significance. Review status: criteria provided, multiple submitters, no conflicts (2 of 4 stars). 2 submissions from 2 submitters: Uncertain significance (2). Last evaluated 2025-09-06.

Conditions:
Ataxia-telangiectasia syndrome (AT). Also called: LOUIS-BAR SYNDROME; Cerebello-oculocutaneous telangiectasia; Immunodeficiency with ataxia telangiectasia; Ataxia-telangiectasia, complementation group D; AT, COMPLEMENTATION GROUP C; ATAXIA-TELANGIECTASIA, COMPLEMENTATION GROUP A. Identifiers: Orphanet 100, MedGen C0004135, MONDO:0008840, OMIM 208900.
Hereditary cancer-predisposing syndrome. Also called: Neoplastic Syndromes, Hereditary; Tumor predisposition; Hereditary Cancer Syndrome; Hereditary neoplastic syndrome. Identifiers: Orphanet 140162, MedGen C0027672, MeSH D009386, MONDO:0015356.

Submissions (2):

Ambry Genetics
Classification: Uncertain significance for Hereditary cancer-predisposing syndrome. Last evaluated: 2025-09-06. Review status: criteria provided, single submitter. Criteria: Ambry Variant Classification Scheme 2023. Collection method: clinical testing. Allele origin: germline.
Comment: The p.I1290L variant (also known as c.3868A>C), located in coding exon 25 of the ATM gene, results from an A to C substitution at nucleotide position 3868. The isoleucine at codon 1290 is replaced by leucine, an amino acid with highly similar properties. This amino acid position is well conserved in available vertebrate species. In addition, this alteration is predicted to be tolerated by in silico analysis. Since supporting evidence is limited at this time, the clinical significance of this alteration remains unclear.

Labcorp Genetics (formerly Invitae), Labcorp
Classification: Uncertain significance for Ataxia-telangiectasia syndrome. Last evaluated: 2023-10-14. Review status: criteria provided, single submitter. Criteria: Invitae Variant Classification Sherloc (09022015). Collection method: clinical testing. Allele origin: germline.
Comment: This sequence change replaces isoleucine, which is neutral and non-polar, with leucine, which is neutral and non-polar, at codon 1290 of the ATM protein (p.Ile1290Leu). This variant is not present in population databases (gnomAD no frequency). This variant has not been reported in the literature in individuals affected with ATM-related conditions. ClinVar contains an entry for this variant (Variation ID: 1735653). An algorithm developed to predict the effect of missense changes on protein structure and function (PolyPhen-2) suggests that this variant is likely to be tolerated. In summary, the available evidence is currently insufficient to determine the role of this variant in disease. Therefore, it has been classified as a Variant of Uncertain Significance.